The following is an entry in ClinVar:

ClinVar aggregate classification (germline): Uncertain significance (1 of 4 stars; one submission).

Conditions:
Hereditary spastic paraplegia 49 (HSAN9). Also called: Spastic paraplegia 49, autosomal recessive; TECPR2-Related Hereditary Sensory and Autonomic Neuropathy with Intellectual Disability; NEUROPATHY, HEREDITARY SENSORY AND AUTONOMIC, TYPE IX, WITH DEVELOPMENTAL DELAY. Identifiers: Orphanet 320385, MedGen C5190860, MONDO:0014016, OMIM 615031.

Submission:

Labcorp Genetics (formerly Invitae), Labcorp
Classification: Uncertain significance for Hereditary spastic paraplegia 49. Last evaluated: 2024-03-23. Review status: criteria provided, single submitter. Criteria: Invitae Variant Classification Sherloc (09022015). Collection method: clinical testing. Allele origin: germline.
Comment: This sequence change replaces asparagine, which is neutral and polar, with lysine, which is basic and polar, at codon 1343 of the TECPR2 protein (p.Asn1343Lys). This variant is not present in population databases (gnomAD no frequency). This variant has not been reported in the literature in individuals affected with TECPR2-related conditions. An algorithm developed to predict the effect of missense changes on protein structure and function (PolyPhen-2) suggests that this variant is likely to be disruptive. In summary, the available evidence is currently insufficient to determine the role of this variant in disease. Therefore, it has been classified as a Variant of Uncertain Significance.

NM_014844.5(TECPR2):c.4029C>A (p.Asn1343Lys)

Gene: TECPR2 (tectonin beta-propeller repeat containing 2; plus strand). Cytogenetic location: 14q32.31.
Variant type: single nucleotide variant.
Coding change: c.4029C>A on transcript NM_014844.5 (MANE Select); coding-DNA position 4029, C replaced by A.
Protein change: p.Asn1343Lys; replaces asparagine 1343 with lysine.
Molecular consequence: missense variant.
Genome position (GRCh38, 1-based): chr14:102,497,667, C>A. VCF-style: chr14-102497667-C-A. GRCh37 (hg19) VCF-style: chr14-102964004-C-A.
Other names: short protein forms N1343K.
Identifiers: ClinVar variation 3697513 (VCV003697513.2).